The following is an entry in ClinVar:

ClinVar aggregate classification (germline): Likely benign. Review status: reviewed by expert panel (3 of 4 stars). 3 submissions from 3 submitters: Likely benign (1). 2 of the submissions do not count toward it. Last evaluated 2024-09-18.

Conditions:
Inborn genetic diseases. Identifiers: MedGen C0950123, MeSH D030342.
Hereditary thrombocytopenia and hematologic cancer predisposition syndrome. Identifiers: Orphanet 71290, MedGen CN281654, MONDO:0011071.
Hereditary thrombocytopenia and hematological cancer predisposition syndrome associated with RUNX1. Also called: Familial Platelet Disorder with Propensity to Acute Myelogenous Leukemia; Familial thrombocytopenia with propensity to acute myelogenous leukemia; RUNX1 Familial Platelet Disorder with Associated Myeloid Malignancies; PLATELET DISORDER, ASPIRIN-LIKE. Identifiers: Orphanet 71290, MedGen C1832388, MeSH C563324, MONDO:0100083, OMIM 601399.

Submissions (3):

ClinGen Myeloid Malignancy Variant Curation Expert Panel
Classification: Likely benign for Hereditary thrombocytopenia and hematologic cancer predisposition syndrome. Last evaluated: 2024-09-18. Review status: reviewed by expert panel. Criteria: ClinGen MyeloMalig ACMG Specifications v2. Collection method: curation. Allele origin: germline. Inheritance: Autosomal dominant inheritance.
Comment: NM_001754.5(RUNX1):c.999G>C (p.Pro333=) is a synonymous variant which has a SpliceAI score ≤ 0.20 (0.0) (BP4). This variant has a SpliceAI score ≤ 0.20 (0.0) and evolutionary conservation prediction algorithms predict the site as not being conserved (PhyloP score ≤ 2.0 (-0.13) (BP7). This variant is completely absent from all population databases with at least 20x coverage for RUNX1 (PM2_Supporting). In summary, this variant meets criteria to be classified as likely benign. ACMG/AMP criteria applied, as specified by the Myeloid Malignancy Variant Curation Expert Panel for RUNX1: BP4, BP7, PM2_supporting.

Ambry Genetics
Classification: Likely benign for Inborn genetic diseases. Last evaluated: 2026-06-24. Review status: criteria provided, single submitter. Criteria: Ambry Variant Classification Scheme 2023. Collection method: clinical testing. Allele origin: germline. Not counted in ClinVar's aggregate classification.

Labcorp Genetics (formerly Invitae), Labcorp
Classification: Likely benign for Hereditary thrombocytopenia and hematological cancer predisposition syndrome associated with RUNX1. Last evaluated: 2023-05-02. Review status: criteria provided, single submitter. Criteria: Invitae Variant Classification Sherloc (09022015). Collection method: clinical testing. Allele origin: germline. Not counted in ClinVar's aggregate classification.

NM_001754.5(RUNX1):c.999G>C (p.Pro333=)

Gene: RUNX1 (RUNX family transcription factor 1; minus strand). Cytogenetic location: 21q22.12.
Variant type: single nucleotide variant.
Coding change: c.999G>C on transcript NM_001754.5 (MANE Select); coding-DNA position 999, G replaced by C.
Protein change: p.Pro333=; no amino-acid change (proline 333 retained).
Molecular consequence: synonymous variant.
Genome position (GRCh38, 1-based): chr21:34,792,579, C>G on the plus strand (G>C on the coding strand, the complement: RUNX1 is on the minus strand). VCF-style: chr21-34792579-C-G. GRCh37 (hg19) VCF-style: chr21-36164876-C-G.
Other names: NM_001754.5(RUNX1):c.999G>C; p.Pro333=; c.918G>C, p.Pro306= (NM_001001890.3).
Identifiers: ClinVar variation 3019469 (VCV003019469.5), dbSNP rs956885198, ClinGen allele CA512341385.